The following is an entry in ClinVar:

NM_001375524.1(TRRAP):c.7886C>T (p.Thr2629Met)

Gene: TRRAP (transformation/transcription domain associated protein; plus strand). Cytogenetic location: 7q22.1.
Variant type: single nucleotide variant.
Coding change: c.7886C>T on transcript NM_001375524.1 (MANE Select); coding-DNA position 7886, C replaced by T.
Protein change: p.Thr2629Met; replaces threonine 2629 with methionine.
Molecular consequence: missense variant.
Genome position (GRCh38, 1-based): chr7:98,976,195, C>T. VCF-style: chr7-98976195-C-T. GRCh37 (hg19) VCF-style: chr7-98573818-C-T.
Other names: c.7865C>T, p.Thr2622Met (NM_001244580.2); c.7811C>T, p.Thr2604Met (NM_003496.4); short protein forms T2604M, T2622M, T2629M.
Identifiers: ClinVar variation 2970064 (VCV002970064.3), dbSNP rs56370876, ClinGen allele CA4361271.

ClinVar aggregate classification (germline): Uncertain significance (1 of 4 stars; one submission).

Allele frequency attached by ClinVar (database versions not stated): gnomAD 0.00003; gnomAD exomes 0.00003; ExAC 0.00007; 1000 Genomes Project 0.00040; 1000 Genomes Project 30x 0.00047.
gnomAD v4.1: 49 of 1,614,136 alleles (0.003%); highest among the groups gnomAD compares: Middle Eastern, 0.05%; no homozygotes.

Submission:

Labcorp Genetics (formerly Invitae), Labcorp
Classification: Uncertain significance. Last evaluated: 2023-06-21. Review status: criteria provided, single submitter. Criteria: Invitae Variant Classification Sherloc (09022015). Collection method: clinical testing. Allele origin: germline.
Comment: In summary, the available evidence is currently insufficient to determine the role of this variant in disease. Therefore, it has been classified as a Variant of Uncertain Significance. Advanced modeling of protein sequence and biophysical properties (such as structural, functional, and spatial information, amino acid conservation, physicochemical variation, residue mobility, and thermodynamic stability) performed at Invitae indicates that this missense variant is expected to disrupt TRRAP protein function. This variant has not been reported in the literature in individuals affected with TRRAP-related conditions. This variant is present in population databases (rs56370876, gnomAD 0.04%). This sequence change replaces threonine, which is neutral and polar, with methionine, which is neutral and non-polar, at codon 2604 of the TRRAP protein (p.Thr2604Met).